The following is an entry in ClinVar:

ClinVar aggregate classification (germline): Likely pathogenic. Review status: reviewed by expert panel (3 of 4 stars). 8 submissions from 8 submitters: Likely pathogenic (1). 7 of the submissions do not count toward it. Last evaluated 2026-04-30.

Conditions:
Neuromuscular disease caused by qualitative or quantitative defects of dysferlin. Also called: Dysferlinopathy; Qualitative or quantitative defects of dysferlin. Identifiers: Orphanet 207073, MedGen C2931687, MONDO:0016145.
Autosomal recessive limb-girdle muscular dystrophy. Identifiers: Orphanet 102015, MedGen C2931907, MONDO:0015152.

Allele frequency attached by ClinVar (database versions not stated): gnomAD exomes below 0.00001.
gnomAD v4.1: 1 of 1,614,170 alleles (0.000062%); highest among the groups gnomAD compares: Admixed American, 0.0017%; no homozygotes.

Submissions (8):

ClinGen Limb Girdle Muscular Dystrophy Variant Curation Expert Panel, ClinGen
Classification: Likely pathogenic for Autosomal recessive limb-girdle muscular dystrophy. Last evaluated: 2026-04-30. Review status: reviewed by expert panel. Criteria: ClinGen LGMD VCEP ACMG Specifications DYSF V2.0.0. Collection method: curation. Allele origin: germline. Inheritance: Autosomal recessive inheritance.
Comment: The NM_003494.4: c.937+4A>T variant in DYSF, which is also known as NM_001130987.2: c.1033+4A>T, is an intronic variant located in the splice donor region of exon 10. SpliceAI gives a delta score of 0.32 for loss of the canonical donor for exon 10 and of 0.21 for loss of the canonical acceptor; these scores are lower than the VCEP threshold of 0.5 (PP3 not met). However, in the presence of the variant, the p-scores for the canonical donor and acceptor sites are 0 and 0.26, respectively, suggesting missplicing, and specifically out-of-frame exon skipping, is likely to occur. This variant has been reported in at least five individuals with features of limb girdle muscular dystrophy or dysferlinopathy (PMID: 30564623; LOVD Individual #00222622; ClinVar SCV002212504.2 internal data communication; Jain Foundation Dysferlin Registry internal data communication), including in unconfirmed phase with a pathogenic variant in two patients (NM_003494.4: c.3118C>T p.(Arg1040Trp), 0.5 pts, ClinVar SCV002212504.2 internal data communication); c.2779del p.(Ala927LeufsTer21), 0.5 pts, PMID: 30564623, LOVD Individual #00222622, Jain Foundation Dysferlin Registry internal data communication) (PM3). At least one patient with this variant and a second pathogenic DYSF variant had both a clinical suspicion of LGMD and disease range dysferlin in blood monocytes, which is highly specific for DYSF-related LGMD (PMID: 30564623, LOVD Individual #00222622, Jain Foundation Dysferlin Registry internal data communication; PP4_Strong). The highest population frequency of this variant in gnomAD v4.1.0 is 0.00001666 (1/60018 Admixed American chromosomes), which is lower than the VCEP threshold (0.0001) (PM2_Supporting). Another nucleotide change affecting the same splice donor region and with the same predicted splice effect, NM_003494.3: c.937+1G>A, is classified as Pathogenic for autosomal recessive limb girdle muscular dystrophy by the LGMD VCEP (PS1_Moderate). In summary, this variant meets the criteria to be classified as Likely Pathogenic for autosomal recessive limb girdle muscular dystrophy based on the ACMG/AMP criteria applied, as specified by the ClinGen LGMD VCEP (specifications version 2.0.0; 04/30/2026): PM3, PP4_Strong, PM2_Supporting, PS1_Moderate.

Myriad Genetics, Inc.
Classification: Likely pathogenic for Autosomal recessive limb-girdle muscular dystrophy. Last evaluated: 2026-06-30. Review status: criteria provided, single submitter. Criteria: Myriad Autosomal Dominant, Autosomal Recessive and X-Linked Classification Criteria (2023). Collection method: clinical testing. Allele origin: unknown. Not counted in ClinVar's aggregate classification.
Comment: NM_003494.3(DYSF):c.937+4A>T is an intronic variant classified as likely pathogenic in the context of dysferlinopathy. c.937+4A>T has been observed in cases with relevant disease (PMID: 30564623, 35135626, 37688281). Relevant functional assessments of this variant are not available in the literature. c.937+4A>T has been observed in referenced population frequency databases. In summary, NM_003494.3(DYSF):c.937+4A>T is an intronic variant that has been observed more frequently in cases with the relevant disease than in healthy populations. Please note: this variant was assessed in the context of healthy population screening.

GeneDx
Classification: Uncertain significance. Last evaluated: 2025-01-03. Review status: criteria provided, single submitter. Criteria: GeneDx Variant Classification Process June 2021. Collection method: clinical testing. Allele origin: germline. Affected: yes. Not counted in ClinVar's aggregate classification.
Comment: Not observed at significant frequency in large population cohorts (gnomAD); Has not been previously published as pathogenic or benign to our knowledge; In silico analysis is inconclusive as to whether the variant alters gene splicing. In the absence of RNA/functional studies, the actual effect of this sequence change is unknown.

Athena Diagnostics
Classification: Likely pathogenic. Last evaluated: 2024-08-23. Review status: criteria provided, single submitter. Criteria: Athena Diagnostics Criteria. Collection method: clinical testing. Allele origin: unknown. Not counted in ClinVar's aggregate classification.
Comment: The frequency of this variant in the general population is consistent with pathogenicity. This variant has been identified in at least one individual with clinical features of limb girdle muscular dystrophy. In multiple individuals, this variant has been seen with a single recessive pathogenic variant in the same gene, suggesting this variant may also be pathogenic. Computational tools yielded predictions that this variant may interfere with normal RNA splicing.

Women's Health and Genetics/Laboratory Corporation of America, LabCorp
Classification: Uncertain significance. Last evaluated: 2023-01-05. Review status: criteria provided, single submitter. Criteria: LabCorp Variant Classification Summary - May 2015. Collection method: clinical testing. Allele origin: germline. Not counted in ClinVar's aggregate classification.
Comment: Variant summary: DYSF c.937+4A>T alters a conserved nucleotide located close to a canonical splice site and therefore could affect mRNA splicing, leading to a significantly altered protein sequence. Several computational tools predict a significant impact on normal splicing: Four predict the variant abolishes/weakens a 5' splicing donor site. However, these predictions have yet to be confirmed by functional studies. The variant allele was found at a frequency of 4e-06 in 251488 control chromosomes (gnomAD). The available data on variant occurrences in the general population are insufficient to allow any conclusion about variant significance. To our knowledge, no occurrence of c.937+4A>T in individuals affected with Limb-Girdle Muscular Dystrophy, Autosomal Recessive and no experimental evidence demonstrating its impact on protein function have been reported in the literature. Two ClinVar submitters (evaluation after 2014) cite the variant as uncertain significance, while one ClinVar submitter (evaluation after 2014) cites it as likely pathogenic, reporting occurrence of the variant in at least one individual with clinical features of limb girdle muscular dystrophy ( SCV001143827.2), however without providing evidence for independent evaluation. Based on the evidence outlined above, the variant was classified as uncertain significance.

Labcorp Genetics (formerly Invitae), Labcorp
Classification: Uncertain significance for Neuromuscular disease caused by qualitative or quantitative defects of dysferlin. Last evaluated: 2021-06-30. Review status: criteria provided, single submitter. Criteria: Invitae Variant Classification Sherloc (09022015). Collection method: clinical testing. Allele origin: germline. Not counted in ClinVar's aggregate classification.
Comment: This sequence change falls in intron 10 of the DYSF gene. It does not directly change the encoded amino acid sequence of the DYSF protein. It affects a nucleotide within the consensus splice site of the intron. This variant is not present in population databases (ExAC no frequency). This variant has not been reported in the literature in individuals affected with DYSF-related conditions. ClinVar contains an entry for this variant (Variation ID: 498216). Nucleotide substitutions within the consensus splice site are a relatively common cause of aberrant splicing (PMID: 17576681, 9536098). Algorithms developed to predict the effect of sequence changes on RNA splicing suggest that this variant may disrupt the consensus splice site. In summary, the available evidence is currently insufficient to determine the role of this variant in disease. Therefore, it has been classified as a Variant of Uncertain Significance.

Revvity Omics, Revvity
Classification: Uncertain significance. Last evaluated: 2021-02-15. Review status: criteria provided, single submitter. Criteria: ACMG Guidelines, 2015. Collection method: clinical testing. Allele origin: germline. Not counted in ClinVar's aggregate classification.

Eurofins Ntd Llc (ga)
Classification: Uncertain significance. Last evaluated: 2016-10-28. Review status: criteria provided, single submitter. Criteria: EGL Classification Definitions 2015. Collection method: clinical testing. Allele origin: germline. Observed: 2 variant alleles, 2 heterozygotes. Not counted in ClinVar's aggregate classification.

Literature cited by the submitters: PubMed 30564623 (cited by Myriad Genetics, Inc.); PubMed 35135626 (cited by Myriad Genetics, Inc.); PubMed 37688281 (cited by Myriad Genetics, Inc.); PubMed 17576681 (cited by Labcorp Genetics (formerly Invitae), Labcorp); PubMed 9536098 (cited by Labcorp Genetics (formerly Invitae), Labcorp).

NM_001130987.2(DYSF):c.1033+4A>T

Gene: DYSF (dysferlin; plus strand). Cytogenetic location: 2p13.2.
Variant type: single nucleotide variant.
Coding change: c.1033+4A>T on transcript NM_001130987.2 (MANE Select); 4 bases into the intron after coding-DNA position 1033, A replaced by T.
Molecular consequence: intron variant.
Genome position (GRCh38, 1-based): chr2:71,520,212, A>T. VCF-style: chr2-71520212-A-T. GRCh37 (hg19) VCF-style: chr2-71747342-A-T.
Other names: c.1030+4A>T (NM_001130979.2, NM_001130981.2, NM_001130980.2); c.937+4A>T (NM_001130978.2, NM_003494.4, NM_001130977.2 and 1 more transcripts); c.1033+4A>T (NM_001130982.2, NM_001130985.2); c.940+4A>T (NM_001130983.2, NM_001130455.2, NM_001130984.2 and 1 more transcripts).
Identifiers: ClinVar variation 498216 (VCV000498216.21), dbSNP rs1397221551, ClinGen allele CA533254958.